The following is an entry in ClinVar:

ClinVar aggregate classification (germline): Uncertain significance (1 of 4 stars; one submission).

gnomAD v4.1: 1 of 1,614,104 alleles (0.000062%); no homozygotes.

Submission:

Labcorp Genetics (formerly Invitae), Labcorp
Classification: Uncertain significance. Last evaluated: 2025-10-22. Review status: criteria provided, single submitter. Criteria: Invitae Variant Classification Sherloc (09022015). Collection method: clinical testing. Allele origin: germline.
Comment: This sequence change replaces serine, which is neutral and polar, with glycine, which is neutral and non-polar, at codon 2337 of the VCAN protein (p.Ser2337Gly). This variant is not present in population databases (gnomAD no frequency). This variant has not been reported in the literature in individuals affected with VCAN-related conditions. An algorithm developed to predict the effect of missense changes on protein structure and function outputs the following: PolyPhen-2: "Benign". The glycine amino acid residue is found in multiple mammalian species, which suggests that this missense change does not adversely affect protein function. In summary, the available evidence is currently insufficient to determine the role of this variant in disease. Therefore, it has been classified as a Variant of Uncertain Significance.

NM_004385.5(VCAN):c.7009A>G (p.Ser2337Gly)

Genes: VCAN (versican; plus strand), VCAN-AS1 (VCAN antisense RNA 1; minus strand). Cytogenetic location: 5q14.3.
Variant type: single nucleotide variant.
Coding change: c.7009A>G on transcript NM_004385.5 (MANE Select); coding-DNA position 7009, A replaced by G.
Protein change: p.Ser2337Gly; replaces serine 2337 with glycine.
Molecular consequence: missense variant. On other transcripts: intron variant (2).
Genome position (GRCh38, 1-based): chr5:83,540,012, A>G. VCF-style: chr5-83540012-A-G. GRCh37 (hg19) VCF-style: chr5-82835831-A-G.
Other names: c.4048A>G, p.Ser1350Gly (NM_001164097.2); c.4004-5525A>G (NM_001164098.2); c.1043-5525A>G (NM_001126336.3); short protein forms S1350G, S2337G.
Identifiers: ClinVar variation 4760172 (VCV004760172.1).
Genomic context (GRCh38, chr5:83,540,012, plus strand): 5'-CAAACAGACATCTTTGAAGGTAGTGGGTCAGTAACCAGCACAACATTAATAGAAATTTTA[A>G]GTGACACTGGAGCAGAAGGACCCACGGTGGCACCTCTCCCTTTCTCCACGGACATCGGAC-3'
Protein context (NP_004376.2, residues 2327-2347): VTSTTLIEIL[Ser2337Gly]DTGAEGPTVA